The following is an entry in ClinVar:

NM_002878.4(RAD51D):c.132C>T (p.Gly44=)

Genes: RAD51L3-RFFL (RAD51L3-RFFL readthrough; minus strand), RAD51D (RAD51 paralog D; minus strand). Cytogenetic location: 17q12.
Variant type: single nucleotide variant.
Coding change: c.132C>T on transcript NM_002878.4 (MANE Select); coding-DNA position 132, C replaced by T.
Protein change: p.Gly44=; no amino-acid change (glycine 44 retained).
Molecular consequence: synonymous variant. On other transcripts: non-coding transcript variant (2).
Genome position (GRCh38, 1-based): chr17:35,119,123, G>A on the plus strand (C>T on the coding strand, the complement: RAD51D is on the minus strand). VCF-style: chr17-35119123-G-A. GRCh37 (hg19) VCF-style: chr17-33446142-G-A.
Other names: c.132C>T, p.Gly44= (NM_001142571.2, NM_133629.3).
Identifiers: ClinVar variation 492408 (VCV000492408.16), dbSNP rs761651126, ClinGen allele CA8499666.

ClinVar aggregate classification (germline): Conflicting classifications of pathogenicity. Review status: criteria provided, conflicting classifications (1 of 4 stars). 5 submissions from 5 submitters: Uncertain significance (1); Benign (1); Likely benign (3). Last evaluated 2025-07-22.

Conditions:
Hereditary cancer-predisposing syndrome. Also called: Hereditary neoplastic syndrome; Tumor predisposition; Hereditary Cancer Syndrome; Neoplastic Syndromes, Hereditary. Identifiers: Orphanet 140162, MedGen C0027672, MeSH D009386, MONDO:0015356.
Breast-ovarian cancer, familial, susceptibility to, 4. Identifiers: Orphanet 145, MedGen C3280345, MONDO:0013669, OMIM 614291.

Allele frequency attached by ClinVar (database versions not stated): gnomAD exomes below 0.00001 and 0.00001; ExAC 0.00001; gnomAD 0.00001; TOPMed 0.00001.
gnomAD v4.1: 5 of 1,613,522 alleles (0.00031%); highest among the groups gnomAD compares: African/African-American, 0.0053%; no homozygotes.

Submissions (5):

Labcorp Genetics (formerly Invitae), Labcorp
Classification: Likely benign for Breast-ovarian cancer, familial, susceptibility to, 4. Last evaluated: 2025-07-22. Review status: criteria provided, single submitter. Criteria: Invitae Variant Classification Sherloc (09022015). Collection method: clinical testing. Allele origin: germline.

Color Diagnostics, LLC DBA Color Health
Classification: Likely benign for Hereditary cancer-predisposing syndrome. Last evaluated: 2025-03-27. Review status: criteria provided, single submitter. Criteria: ACMG Guidelines, 2015. Collection method: clinical testing. Allele origin: germline.

Myriad Genetics, Inc.
Classification: Benign for Breast-ovarian cancer, familial, susceptibility to, 4. Last evaluated: 2025-02-20. Review status: criteria provided, single submitter. Criteria: Myriad Autosomal Dominant, Autosomal Recessive and X-Linked Classification Criteria (2023). Collection method: clinical testing. Allele origin: unknown.
Comment: This variant is considered benign. This variant is a silent/synonymous amino acid change and it is not expected to impact splicing.

GeneDx
Classification: Uncertain significance. Last evaluated: 2024-08-08. Review status: criteria provided, single submitter. Criteria: GeneDx Variant Classification Process June 2021. Collection method: clinical testing. Allele origin: germline. Affected: yes.
Comment: Not observed at significant frequency in large population cohorts (gnomAD); In silico analysis indicates that this variant does not alter splicing; Has not been previously published as pathogenic or benign to our knowledge

Ambry Genetics
Classification: Likely benign for Hereditary cancer-predisposing syndrome. Last evaluated: 2020-02-26. Review status: criteria provided, single submitter. Criteria: Ambry Variant Classification Scheme 2023. Collection method: clinical testing. Allele origin: germline.